The following is an entry in ClinVar:

ClinVar aggregate classification (germline): Benign/Likely benign. Review status: criteria provided, multiple submitters, no conflicts (2 of 4 stars). 9 submissions from 9 submitters: Benign (3); Likely benign (4). 2 of the submissions do not count toward it. Last evaluated 2026-08-01.

Conditions:
PLEC-related disorder. Also called: PLEC-related disorders; PLEC-related condition.
Epidermolysis bullosa simplex, Ogna type (EBS5A). Also called: Pidermolysis bullosa simplex 5A, Ogna type; EPIDERMOLYSIS BULLOSA SIMPLEX 5A, OGNA TYPE. Identifiers: Orphanet 79401, MedGen C0432317, MONDO:0007555, OMIM 131950.
Epidermolysis bullosa simplex 5C, with pyloric atresia (EBS5C). Also called: PLEC1-Related Epidermolysis Bullosa with Pyloric Atresia; PLEC-Related Epidermolysis Bullosa with Pyloric Atresia; Epidermolysis bullosa simplex with pyloric atresia. Identifiers: Orphanet 158684, MedGen C2677349, MONDO:0012807, OMIM 612138.
Epidermolysis bullosa simplex 5B, with muscular dystrophy (EBS5B). Also called: Epidermolysis bullosa simplex with muscular dystrophy; EPIDERMOLYSIS BULLOSA SIMPLEX AND LIMB-GIRDLE MUSCULAR DYSTROPHY. Identifiers: Orphanet 257, MedGen C2931072, MONDO:0009181, OMIM 226670.
Epidermolysis bullosa simplex with nail dystrophy (EBS5D). Identifiers: MedGen C4225309, MONDO:0014661, OMIM 616487.
Autosomal recessive limb-girdle muscular dystrophy type 2Q (LGMDR17). Also called: MUSCULAR DYSTROPHY, LIMB-GIRDLE, AUTOSOMAL RECESSIVE 17. Identifiers: Orphanet 254361, MedGen C3150989, MONDO:0013390, OMIM 613723.

Allele frequency attached by ClinVar (database versions not stated): 1000 Genomes Project 0.00140; 1000 Genomes Project 30x 0.00156; TOPMed 0.00217; gnomAD 0.00225 and 0.00226; ExAC 0.00252; ESP Exome Variant Server 0.00271.
gnomAD v4.1: 4,014 of 1,613,386 alleles (0.25%); highest among the groups gnomAD compares: Middle Eastern, 0.73%; 10 homozygotes.

Submissions (9):

CeGaT Center for Human Genetics Tuebingen
Classification: Likely benign. Last evaluated: 2026-08-01. Review status: criteria provided, single submitter. Criteria: CeGaT Center For Human Genetics Tuebingen Variant Classification Criteria Version 2. Collection method: clinical testing. Allele origin: germline. Affected: yes. Observed: 12 variant alleles.
Comment: PLEC: BP4, BP7

Labcorp Genetics (formerly Invitae), Labcorp
Classification: Benign for Autosomal recessive limb-girdle muscular dystrophy type 2Q; Epidermolysis bullosa simplex, Ogna type; Epidermolysis bullosa simplex with nail dystrophy; Epidermolysis bullosa simplex 5C, with pyloric atresia; Epidermolysis bullosa simplex 5B, with muscular dystrophy. Last evaluated: 2026-02-01. Review status: criteria provided, single submitter. Criteria: Invitae Variant Classification Sherloc (09022015). Collection method: clinical testing. Allele origin: germline.

PreventionGenetics, part of Exact Sciences
Classification: Benign for PLEC-related condition. Last evaluated: 2025-07-16. Review status: criteria provided, single submitter. Criteria: ACMG Guidelines, 2015. Collection method: clinical testing. Allele origin: germline.
Comment: This variant is classified as benign based on ACMG/AMP sequence variant interpretation guidelines (Richards et al. 2015 PMID: 25741868, with internal and published modifications).

Blueprint Genetics
Classification: Likely benign. Last evaluated: 2024-11-26. Review status: criteria provided, single submitter. Criteria: ACMG Guidelines, 2015. Collection method: clinical testing. Allele origin: germline.

Mayo Clinic Laboratories, Mayo Clinic
Classification: Likely benign. Last evaluated: 2023-03-07. Review status: criteria provided, single submitter. Criteria: ACMG Guidelines, 2015. Collection method: clinical testing. Allele origin: germline. Observed: 7 variant alleles.
Comment: BP4, BP7

GeneDx
Classification: Likely benign. Last evaluated: 2021-01-11. Review status: criteria provided, single submitter. Criteria: GeneDx Variant Classification Process June 2021. Collection method: clinical testing. Allele origin: germline. Affected: yes.

Eurofins Ntd Llc (ga)
Classification: Benign. Last evaluated: 2015-11-11. Review status: criteria provided, single submitter. Criteria: EGL Classification Definitions 2015. Collection method: clinical testing. Allele origin: germline. Observed: 1 variant allele, 1 heterozygote.

Clinical Genetics DNA and cytogenetics Diagnostics Lab, Erasmus MC, Erasmus Medical Center
Classification: Likely benign. Review status: no assertion criteria provided. Collection method: clinical testing. Allele origin: germline. Affected: yes. Study: VKGL Data-share Consensus. Not counted in ClinVar's aggregate classification.

Laboratory of Diagnostic Genome Analysis, Leiden University Medical Center (LUMC)
Classification: Likely benign. Review status: no assertion criteria provided. Collection method: clinical testing. Allele origin: germline. Affected: yes. Study: VKGL Data-share Consensus. Not counted in ClinVar's aggregate classification.

NM_201384.3(PLEC):c.11994C>T (p.Pro3998=)

Gene: PLEC (plectin; minus strand). Cytogenetic location: 8q24.3.
Variant type: single nucleotide variant.
Coding change: c.11994C>T on transcript NM_201384.3 (MANE Select); coding-DNA position 11994, C replaced by T.
Protein change: p.Pro3998=; no amino-acid change (proline 3998 retained).
Molecular consequence: synonymous variant.
Genome position (GRCh38, 1-based): chr8:143,917,827, G>A on the plus strand (C>T on the coding strand, the complement: PLEC is on the minus strand). VCF-style: chr8-143917827-G-A. GRCh37 (hg19) VCF-style: chr8-144991995-G-A.
Other names: p.Pro3984=; c.12075C>T, p.Pro4025= (NM_000445.5); c.11952C>T, p.Pro3984= (NM_201378.4); c.11928C>T, p.Pro3976= (NM_201379.3); c.12405C>T, p.Pro4135= (NM_201380.4); c.11898C>T, p.Pro3966= (NM_201381.3); c.11994C>T, p.Pro3998= (NM_201382.4); c.12006C>T, p.Pro4002= (NM_201383.3).
Identifiers: ClinVar variation 93027 (VCV000093027.63), dbSNP rs113137721, ClinGen allele CA146259.